The following is an entry in ClinVar:

NM_203446.3(SYNJ1):c.3278C>T (p.Pro1093Leu)

Gene: SYNJ1 (synaptojanin 1; minus strand). Cytogenetic location: 21q22.11.
Variant type: single nucleotide variant.
Coding change: c.3278C>T on transcript NM_203446.3 (MANE Select); coding-DNA position 3278, C replaced by T.
Protein change: p.Pro1093Leu; replaces proline 1093 with leucine.
Molecular consequence: missense variant.
Genome position (GRCh38, 1-based): chr21:32,645,759, G>A on the plus strand (C>T on the coding strand, the complement: SYNJ1 is on the minus strand). VCF-style: chr21-32645759-G-A. GRCh37 (hg19) VCF-style: chr21-34018069-G-A.
Other names: c.3278C>T, p.Pro1093Leu (NM_001160302.2); c.3263C>T, p.Pro1088Leu (NM_001160306.2); c.3395C>T, p.Pro1132Leu (NM_003895.4); short protein forms P1132L, P1088L, P1093L.
Identifiers: ClinVar variation 586759 (VCV000586759.6), dbSNP rs1326671091, ClinGen allele CA410068489.

ClinVar aggregate classification (germline): Uncertain significance. Review status: criteria provided, multiple submitters, no conflicts (2 of 4 stars). 2 submissions from 2 submitters: Uncertain significance (2). Last evaluated 2022-10-14.

Conditions:
Developmental and epileptic encephalopathy, 53. Also called: Epileptic encephalopathy, early infantile, 53. Identifiers: MedGen C4479313, MONDO:0033362, OMIM 617389.
Early-onset Parkinson disease 20. Also called: PARKINSON DISEASE 20, AUTOSOMAL RECESSIVE EARLY-ONSET. Identifiers: Orphanet 391411, MedGen C3809824, MONDO:0014233, OMIM 615530.

Allele frequency attached by ClinVar (database versions not stated): gnomAD exomes below 0.00001.
gnomAD v4.1: 5 of 1,464,946 alleles (0.00034%); highest among the groups gnomAD compares: Middle Eastern, 0.018%; no homozygotes.

Submissions (2):

Labcorp Genetics (formerly Invitae), Labcorp
Classification: Uncertain significance for Developmental and epileptic encephalopathy, 53; Early-onset Parkinson disease 20. Last evaluated: 2022-10-14. Review status: criteria provided, single submitter. Criteria: Invitae Variant Classification Sherloc (09022015). Collection method: clinical testing. Allele origin: germline.
Comment: This sequence change replaces proline, which is neutral and non-polar, with leucine, which is neutral and non-polar, at codon 1132 of the SYNJ1 protein (p.Pro1132Leu). This variant is not present in population databases (gnomAD no frequency). This variant has not been reported in the literature in individuals affected with SYNJ1-related conditions. ClinVar contains an entry for this variant (Variation ID: 586759). Algorithms developed to predict the effect of missense changes on protein structure and function (SIFT, PolyPhen-2, Align-GVGD) all suggest that this variant is likely to be tolerated. In summary, the available evidence is currently insufficient to determine the role of this variant in disease. Therefore, it has been classified as a Variant of Uncertain Significance.

Athena Diagnostics
Classification: Uncertain significance. Last evaluated: 2018-06-22. Review status: criteria provided, single submitter. Criteria: Athena Diagnostics Criteria. Collection method: clinical testing. Allele origin: germline.